The following is an entry in ClinVar:

NM_006227.4(PLTP):c.832G>C (p.Glu278Gln)

Gene: PLTP (phospholipid transfer protein; minus strand). Cytogenetic location: 20q13.12.
Variant type: single nucleotide variant.
Coding change: c.832G>C on transcript NM_006227.4 (MANE Select); coding-DNA position 832, G replaced by C.
Protein change: p.Glu278Gln; replaces glutamic acid 278 with glutamine.
Molecular consequence: missense variant.
Genome position (GRCh38, 1-based): chr20:45,904,992, C>G on the plus strand (G>C on the coding strand, the complement: PLTP is on the minus strand). VCF-style: chr20-45904992-C-G. GRCh37 (hg19) VCF-style: chr20-44533631-C-G.
Other names: c.547G>C, p.Glu183Gln (NM_001242920.2); c.568G>C, p.Glu190Gln (NM_001242921.1); c.676G>C, p.Glu226Gln (NM_182676.3); short protein forms E190Q, E278Q, E226Q, E183Q.
Identifiers: ClinVar variation 2073187 (VCV002073187.5), dbSNP rs139197557, ClinGen allele CA9883709.
Genomic context (GRCh38, chr20:45,904,992, plus strand): 5'-CATGACATACCTTGTCCCCCACCAGCAACAGCTGCAGGGCCCCCGCCCGGAAGTAGCTCT[C>G]CATGGCAGAGTCGAAGAAGAACTCAGAGAAGGCCACATACACCATCCGCTCTTCCTCCTG-3'
Protein context (NP_006218.1, residues 268-288): FSEFFFDSAM[Glu278Gln]SYFRAGALQL

ClinVar aggregate classification (germline): Uncertain significance. Review status: criteria provided, multiple submitters, no conflicts (2 of 4 stars). 2 submissions from 2 submitters: Uncertain significance (2). Last evaluated 2025-07-06.

Allele frequency attached by ClinVar (database versions not stated): 1000 Genomes Project 0.00040; ESP Exome Variant Server 0.00046; 1000 Genomes Project 30x 0.00047.
gnomAD v4.1: 1,284 of 1,614,238 alleles (0.08%); highest among the groups gnomAD compares: Non-Finnish European, 0.1%; 1 homozygote.

Submissions (2):

Labcorp Genetics (formerly Invitae), Labcorp
Classification: Uncertain significance. Last evaluated: 2025-07-06. Review status: criteria provided, single submitter. Criteria: Invitae Variant Classification Sherloc (09022015). Collection method: clinical testing. Allele origin: germline.
Comment: This sequence change replaces glutamic acid, which is acidic and polar, with glutamine, which is neutral and polar, at codon 278 of the PLTP protein (p.Glu278Gln). This variant is present in population databases (rs139197557, gnomAD 0.07%), and has an allele count higher than expected for a pathogenic variant. This variant has not been reported in the literature in individuals affected with PLTP-related conditions. ClinVar contains an entry for this variant (Variation ID: 2073187). An algorithm developed to predict the effect of missense changes on protein structure and function (PolyPhen-2) suggests that this variant is likely to be tolerated. In summary, the available evidence is currently insufficient to determine the role of this variant in disease. Therefore, it has been classified as a Variant of Uncertain Significance.

Ambry Genetics
Classification: Uncertain significance. Last evaluated: 2021-08-12. Review status: criteria provided, single submitter. Criteria: Ambry Variant Classification Scheme 2023. Collection method: clinical testing. Allele origin: germline.